The following is an entry in ClinVar:

ClinVar aggregate classification (germline): Uncertain significance (1 of 4 stars; one submission).

Submission:

Women's Health and Genetics/Laboratory Corporation of America, LabCorp
Classification: Uncertain significance. Last evaluated: 2025-10-10. Review status: criteria provided, single submitter. Criteria: LabCorp Variant Classification Summary - May 2015. Collection method: clinical testing. Allele origin: germline.
Comment: Variant summary: ANKRD11 c.6610G>C (p.Glu2204Gln) results in a conservative amino acid change in the encoded protein sequence. Algorithms developed to predict the effect of missense changes on protein structure and function all suggest that this variant is likely to be tolerated. The variant was absent in 238074 control chromosomes (gnomAAD). The available data on variant occurrences in the general population are insufficient to allow any conclusion about variant significance. To our knowledge, no occurrence of c.6610G>C in individuals affected with ANKRD11-related conditions and no experimental evidence demonstrating its impact on protein function have been reported. No submitters have cited clinical-significance assessments for this variant to ClinVar. Based on the evidence outlined above, the variant was classified as uncertain significance.

NM_013275.6(ANKRD11):c.6610G>C (p.Glu2204Gln)

Gene: ANKRD11 (ankyrin repeat domain 11; minus strand). Cytogenetic location: 16q24.3.
Variant type: single nucleotide variant.
Coding change: c.6610G>C on transcript NM_013275.6 (MANE Select); coding-DNA position 6610, G replaced by C.
Protein change: p.Glu2204Gln; replaces glutamic acid 2204 with glutamine.
Molecular consequence: missense variant.
Genome position (GRCh38, 1-based): chr16:89,279,932, C>G on the plus strand (G>C on the coding strand, the complement: ANKRD11 is on the minus strand). VCF-style: chr16-89279932-C-G. GRCh37 (hg19) VCF-style: chr16-89346340-C-G.
Other names: c.6610G>C, p.Glu2204Gln (NM_001256182.2, NM_001256183.2); short protein forms E2204Q.
Identifiers: ClinVar variation 4687361 (VCV004687361.1).